The following is an entry in ClinVar:

ClinVar aggregate classification (germline): Conflicting classifications of pathogenicity. Review status: criteria provided, conflicting classifications (1 of 4 stars). 2 submissions from 2 submitters: Uncertain significance (1); Likely benign (1). Last evaluated 2022-11-08.

Conditions:
Hereditary breast ovarian cancer syndrome. Also called: Breast and ovarian cancer; BRCA1- and BRCA2-Associated Hereditary Breast and Ovarian Cancer; Hereditary breast and ovarian cancer syndrome (HBOC); Hereditary breast and ovarian cancer; Hereditary breast and/or ovarian cancer syndrome; Hereditary breast and ovarian cancer syndrome. Identifiers: Orphanet 145, MedGen C0677776, MeSH D061325, MONDO:0003582. Disease mechanism: loss of function.

Submissions (2):

Labcorp Genetics (formerly Invitae), Labcorp
Classification: Likely benign for Hereditary breast ovarian cancer syndrome. Last evaluated: 2022-11-08. Review status: criteria provided, single submitter. Criteria: Invitae Variant Classification Sherloc (09022015). Collection method: clinical testing. Allele origin: germline.

Women's Health and Genetics/Laboratory Corporation of America, LabCorp
Classification: Uncertain significance. Last evaluated: 2016-05-31. Review status: criteria provided, single submitter. Criteria: LabCorp Variant Classification Summary - May 2015. Collection method: clinical testing. Allele origin: germline.
Comment: Variant summary: The BRCA1 c.5333-18T>G variant involves the alteration of a conserved intronic nucleotide with 3/5 splice prediction tools predicting no significant impact on splicing, although these predictions have yet to be functionally assessed. The variant of interest was not observed in controls, nor, has it been to our knowledge reported in affected individuals via publications and/or reputable databases/clinical laboratories. Therefore, taking all available lines of evidence into consideration, the variant of interest is classified as a "VUS-possibly benign," until additional information becomes available.

NM_007294.4(BRCA1):c.5333-18T>G

Gene: BRCA1 (BRCA1 DNA repair associated; minus strand). Cytogenetic location: 17q21.31.
Variant type: single nucleotide variant.
Coding change: c.5333-18T>G on transcript NM_007294.4 (MANE Select); 18 bases into the intron before coding-DNA position 5333, T replaced by G.
Molecular consequence: intron variant.
Genome position (GRCh38, 1-based): chr17:43,049,212, A>C on the plus strand (T>G on the coding strand, the complement: BRCA1 is on the minus strand). VCF-style: chr17-43049212-A-C. GRCh37 (hg19) VCF-style: chr17-41201229-A-C.
Other names: c.5333-1509T>G (NM_001407854.1); c.5186-18T>G (NM_001407842.1, NM_001407848.1, NM_001407839.1 and 12 more transcripts); c.5333-18T>G (NM_001407598.1, NM_001407603.1, NM_001407596.1 and 5 more transcripts); c.5189-18T>G (NM_001407749.1, NM_001407747.1, NM_001407745.1 and 18 more transcripts); c.1808-18T>G (NM_001408492.1, NM_001408493.1); c.1760-18T>G (NM_001408501.1, NM_001408498.1, NM_001408500.1 and 3 more transcripts); c.1883-18T>G (NM_001408455.1, NM_001408453.1, NM_001408452.1 and 3 more transcripts); c.1877-18T>G (NM_001408468.1, NM_001408470.1, NM_001408469.1); and 84 more.
Identifiers: ClinVar variation 496394 (VCV000496394.5), dbSNP rs1555575227, ClinGen allele CA658684045.